The following is an entry in ClinVar:

NM_000361.3(THBD):c.1342G>T (p.Gly448Cys)

Gene: THBD (thrombomodulin; minus strand). Cytogenetic location: 20p11.21.
Variant type: single nucleotide variant.
Coding change: c.1342G>T on transcript NM_000361.3 (MANE Select); coding-DNA position 1342, G replaced by T.
Protein change: p.Gly448Cys; replaces glycine 448 with cysteine.
Molecular consequence: missense variant.
Genome position (GRCh38, 1-based): chr20:23,048,163, C>A on the plus strand (G>T on the coding strand, the complement: THBD is on the minus strand). VCF-style: chr20-23048163-C-A. GRCh37 (hg19) VCF-style: chr20-23028800-C-A.
Other names: short protein forms G448C.
Identifiers: ClinVar variation 2833324 (VCV002833324.3), dbSNP rs2515203246, ClinGen allele CA408405719.

ClinVar aggregate classification (germline): Uncertain significance (1 of 4 stars; one submission).

Submission:

Labcorp Genetics (formerly Invitae), Labcorp
Classification: Uncertain significance. Last evaluated: 2023-01-31. Review status: criteria provided, single submitter. Criteria: Invitae Variant Classification Sherloc (09022015). Collection method: clinical testing. Allele origin: germline.
Comment: This sequence change replaces glycine, which is neutral and non-polar, with cysteine, which is neutral and slightly polar, at codon 448 of the THBD protein (p.Gly448Cys). This variant is not present in population databases (gnomAD no frequency). In summary, the available evidence is currently insufficient to determine the role of this variant in disease. Therefore, it has been classified as a Variant of Uncertain Significance. Algorithms developed to predict the effect of missense changes on protein structure and function are either unavailable or do not agree on the potential impact of this missense change (SIFT: "Tolerated"; PolyPhen-2: "Probably Damaging"; Align-GVGD: "Class C15"). This variant has not been reported in the literature in individuals affected with THBD-related conditions.